The following is an entry in ClinVar:

ClinVar aggregate classification (germline): Uncertain significance (1 of 4 stars; one submission).

gnomAD v4.1: 3 of 1,614,176 alleles (0.00019%); highest among the groups gnomAD compares: Non-Finnish European, 0.00017%; no homozygotes.

Submission:

Labcorp Genetics (formerly Invitae), Labcorp
Classification: Uncertain significance. Last evaluated: 2024-12-13. Review status: criteria provided, single submitter. Criteria: Invitae Variant Classification Sherloc (09022015). Collection method: clinical testing. Allele origin: germline.
Comment: This sequence change replaces glycine, which is neutral and non-polar, with serine, which is neutral and polar, at codon 133 of the ALPK1 protein (p.Gly133Ser). This variant is not present in population databases (gnomAD no frequency). This variant has not been reported in the literature in individuals affected with ALPK1-related conditions. Invitae Evidence Modeling of protein sequence and biophysical properties (such as structural, functional, and spatial information, amino acid conservation, physicochemical variation, residue mobility, and thermodynamic stability) indicates that this missense variant is not expected to disrupt ALPK1 protein function with a negative predictive value of 80%. In summary, the available evidence is currently insufficient to determine the role of this variant in disease. Therefore, it has been classified as a Variant of Uncertain Significance.

NM_025144.4(ALPK1):c.397G>A (p.Gly133Ser)

Gene: ALPK1 (alpha kinase 1; plus strand). Cytogenetic location: 4q25.
Variant type: single nucleotide variant.
Coding change: c.397G>A on transcript NM_025144.4 (MANE Select); coding-DNA position 397, G replaced by A.
Protein change: p.Gly133Ser; replaces glycine 133 with serine.
Molecular consequence: missense variant.
Genome position (GRCh38, 1-based): chr4:112,411,947, G>A. VCF-style: chr4-112411947-G-A. GRCh37 (hg19) VCF-style: chr4-113333103-G-A.
Other names: c.397G>A, p.Gly133Ser (NM_001102406.2); c.163G>A, p.Gly55Ser (NM_001253884.2); short protein forms G55S, G133S.
Identifiers: ClinVar variation 3678640 (VCV003678640.2).